The following is an entry in ClinVar:

NM_000384.3(APOB):c.909T>C (p.Thr303=)

Gene: APOB (apolipoprotein B; minus strand). Cytogenetic location: 2p24.1.
Variant type: single nucleotide variant.
Coding change: c.909T>C on transcript NM_000384.3 (MANE Select); coding-DNA position 909, T replaced by C.
Protein change: p.Thr303=; no amino-acid change (threonine 303 retained).
Molecular consequence: synonymous variant.
Genome position (GRCh38, 1-based): chr2:21,033,514, A>G on the plus strand (T>C on the coding strand, the complement: APOB is on the minus strand). VCF-style: chr2-21033514-A-G. GRCh37 (hg19) VCF-style: chr2-21256386-A-G.
Identifiers: ClinVar variation 1596990 (VCV001596990.11), dbSNP rs1467996353, ClinGen allele CA425119575.

ClinVar aggregate classification (germline): Likely benign. Review status: criteria provided, multiple submitters, no conflicts (2 of 4 stars). 3 submissions from 3 submitters: Likely benign (3). Last evaluated 2023-08-17.

Conditions:
Cardiovascular phenotype. Identifiers: MedGen CN230736.
Hypercholesterolemia, autosomal dominant, type B (FHCL2). Also called: Familial hypercholesterolemia 2; Hyperlipoproteinemia Type IIb; Familial Hypercholesterolemia Type B; APOB-Related Familial Hypercholesterolemia, Autosomal Dominant; APOLIPOPROTEIN B-100, FAMILIAL DEFECTIVE; APOLIPOPROTEIN B-100, FAMILIAL LIGAND-DEFECTIVE. Identifiers: MedGen C1704417, MONDO:0007751, OMIM 144010.
Familial hypobetalipoproteinemia 1. Also called: APOB-Related Familial Hypobetalipoproteinemia; Hypobetalipoproteinemia, normotriglyceridemic; Acanthocytosis with hypobetalipoproteinemia. Identifiers: MedGen C4551990, MONDO:0014252, OMIM 615558.
Familial hypercholesterolemia. Also called: Familial hypercholesterolaemia; Familial hypercholesterolemias. Identifiers: MedGen C0020445, MONDO:0005439.

Allele frequency attached by ClinVar (database versions not stated): gnomAD exomes below 0.00001; gnomAD 0.00001; TOPMed 0.00002.

Submissions (3):

GENinCode PLC
Classification: Likely benign for Familial hypercholesterolemia. Last evaluated: 2023-08-17. Review status: criteria provided, single submitter. Criteria: ACMG Guidelines, 2015. Collection method: clinical testing. Allele origin: germline.
Comment: This is a synonymous (silent) variant that is not predicted by SpliceAI to impact splicing. In addition, it occurs at a nucleotide that is not conserved. Therefore this variant has been classified as Likely Benign (BP4, BP7).

Ambry Genetics
Classification: Likely benign for Cardiovascular phenotype. Last evaluated: 2022-05-06. Review status: criteria provided, single submitter. Criteria: Ambry Variant Classification Scheme 2023. Collection method: clinical testing. Allele origin: germline.

Labcorp Genetics (formerly Invitae), Labcorp
Classification: Likely benign for Familial hypobetalipoproteinemia 1; Hypercholesterolemia, autosomal dominant, type B. Last evaluated: 2021-01-15. Review status: criteria provided, single submitter. Criteria: Invitae Variant Classification Sherloc (09022015). Collection method: clinical testing. Allele origin: germline.